The following is an entry in ClinVar:

ClinVar aggregate classification (germline): Uncertain significance (1 of 4 stars; one submission).

Allele frequency attached by ClinVar (database versions not stated): gnomAD exomes below 0.00001; gnomAD 0.00001; 1000 Genomes Project 30x 0.00016; 1000 Genomes Project 0.00020.
gnomAD v4.1: 4 of 1,614,040 alleles (0.00025%); highest among the groups gnomAD compares: East Asian, 0.0022%; no homozygotes.

Submission:

Labcorp Genetics (formerly Invitae), Labcorp
Classification: Uncertain significance. Last evaluated: 2024-11-05. Review status: criteria provided, single submitter. Criteria: Invitae Variant Classification Sherloc (09022015). Collection method: clinical testing. Allele origin: germline.
Comment: This sequence change replaces proline, which is neutral and non-polar, with leucine, which is neutral and non-polar, at codon 278 of the GSN protein (p.Pro278Leu). This variant is not present in population databases (gnomAD no frequency). This variant has not been reported in the literature in individuals affected with GSN-related conditions. ClinVar contains an entry for this variant (Variation ID: 3007130). Invitae Evidence Modeling of protein sequence and biophysical properties (such as structural, functional, and spatial information, amino acid conservation, physicochemical variation, residue mobility, and thermodynamic stability) indicates that this missense variant is not expected to disrupt GSN protein function with a negative predictive value of 80%. In summary, the available evidence is currently insufficient to determine the role of this variant in disease. Therefore, it has been classified as a Variant of Uncertain Significance.

NM_198252.3(GSN):c.680C>T (p.Pro227Leu)

Gene: GSN (gelsolin; plus strand). Cytogenetic location: 9q33.2.
Variant type: single nucleotide variant.
Coding change: c.680C>T on transcript NM_198252.3 (MANE Select); coding-DNA position 680, C replaced by T.
Protein change: p.Pro227Leu; replaces proline 227 with leucine.
Molecular consequence: missense variant.
Genome position (GRCh38, 1-based): chr9:121,313,950, C>T. VCF-style: chr9-121313950-C-T. GRCh37 (hg19) VCF-style: chr9-124076228-C-T.
Other names: c.713C>T, p.Pro238Leu (NM_001353066.2, NM_001353067.2, NM_001353068.2 and 13 more transcripts); c.752C>T, p.Pro251Leu (NM_001353076.2); c.26C>T, p.Pro9Leu (NM_001353078.2); c.833C>T, p.Pro278Leu (NM_000177.5); c.680C>T, p.Pro227Leu (NM_001127662.2, NM_001127664.2, NM_001127665.2 and 10 more transcripts); c.788C>T, p.Pro263Leu (NM_001127663.2); c.731C>T, p.Pro244Leu (NM_001258029.2); c.704C>T, p.Pro235Leu (NM_001258030.2); short protein forms P235L, P244L, P9L, P227L, P238L, P251L, P263L, P278L.
Identifiers: ClinVar variation 3007130 (VCV003007130.3), dbSNP rs202067009, ClinGen allele CA199409352.